The following is an entry in ClinVar:

ClinVar aggregate classification (germline): Uncertain significance (1 of 4 stars; one submission).

Submission:

Labcorp Genetics (formerly Invitae), Labcorp
Classification: Uncertain significance. Last evaluated: 2022-10-15. Review status: criteria provided, single submitter. Criteria: Invitae Variant Classification Sherloc (09022015). Collection method: clinical testing. Allele origin: germline.
Comment: Algorithms developed to predict the effect of missense changes on protein structure and function output the following: SIFT: "Tolerated"; PolyPhen-2: "Benign"; Align-GVGD: "Class C0". The asparagine amino acid residue is found in multiple mammalian species, which suggests that this missense change does not adversely affect protein function. In summary, the available evidence is currently insufficient to determine the role of this variant in disease. Therefore, it has been classified as a Variant of Uncertain Significance. This variant has not been reported in the literature in individuals affected with ITGAM-related conditions. This sequence change replaces serine, which is neutral and polar, with asparagine, which is neutral and polar, at codon 1142 of the ITGAM protein (p.Ser1142Asn). This variant is not present in population databases (gnomAD no frequency).

NM_000632.4(ITGAM):c.3425G>A (p.Ser1142Asn)

Gene: ITGAM (integrin subunit alpha M; plus strand). Cytogenetic location: 16p11.2.
Variant type: single nucleotide variant.
Coding change: c.3425G>A on transcript NM_000632.4 (MANE Select); coding-DNA position 3425, G replaced by A.
Protein change: p.Ser1142Asn; replaces serine 1142 with asparagine.
Molecular consequence: missense variant.
Genome position (GRCh38, 1-based): chr16:31,331,673, G>A. VCF-style: chr16-31331673-G-A. GRCh37 (hg19) VCF-style: chr16-31342994-G-A.
Other names: c.3428G>A, p.Ser1143Asn (NM_001145808.2); short protein forms S1142N, S1143N.
Identifiers: ClinVar variation 1906006 (VCV001906006.5), dbSNP rs2544512539, ClinGen allele CA395708525.